The following is an entry in ClinVar:

ClinVar aggregate classification (germline): Uncertain significance (1 of 4 stars; one submission).

Conditions:
SECISBP2-related disorder. Also called: SECISBP2-related condition.

gnomAD v4.1: 1 of 1,614,110 alleles (0.000062%); highest among the groups gnomAD compares: South Asian, 0.0011%; no homozygotes.

Submission:

PreventionGenetics, part of Exact Sciences
Classification: Uncertain significance for SECISBP2-related condition. Last evaluated: 2025-10-20. Review status: criteria provided, single submitter. Criteria: ACMG Guidelines, 2015. Collection method: clinical testing. Allele origin: germline.
Comment: The SECISBP2 c.422C>G variant is predicted to result in the amino acid substitution p.Ala141Gly. To our knowledge, this variant has not been reported in the literature. This variant is absent in a large population database (gnomAD), indicating this variant is rare. At this time, the clinical significance of this variant is uncertain due to the absence of conclusive functional and genetic evidence.

NM_024077.5(SECISBP2):c.422C>G (p.Ala141Gly)

Gene: SECISBP2 (SECIS binding protein 2; plus strand). Cytogenetic location: 9q22.2.
Variant type: single nucleotide variant.
Coding change: c.422C>G on transcript NM_024077.5 (MANE Select); coding-DNA position 422, C replaced by G.
Protein change: p.Ala141Gly; replaces alanine 141 with glycine.
Molecular consequence: missense variant. On other transcripts: 5 prime UTR variant (1).
Genome position (GRCh38, 1-based): chr9:89,325,666, C>G. VCF-style: chr9-89325666-C-G. GRCh37 (hg19) VCF-style: chr9-91940581-C-G.
Other names: c.422C>G, p.Ala141Gly (NM_001282688.2, NM_001354696.2, NM_001354697.2 and 1 more transcripts); c.203C>G, p.Ala68Gly (NM_001282689.2); c.218C>G, p.Ala73Gly (NM_001282690.1); c.-426C>G (NM_001354702.2); short protein forms A141G, A73G, A68G.
Identifiers: ClinVar variation 4994632 (VCV004994632.1).